The following is an entry in ClinVar:

ClinVar aggregate classification (germline): Uncertain significance (1 of 4 stars; one submission).

gnomAD v4.1: 14 of 1,614,084 alleles (0.00087%); highest among the groups gnomAD compares: African/African-American, 0.0027%; no homozygotes.

Submission:

GeneDx
Classification: Uncertain significance. Last evaluated: 2023-11-30. Review status: criteria provided, single submitter. Criteria: GeneDx Variant Classification Process June 2021. Collection method: clinical testing. Allele origin: germline. Affected: yes.
Comment: In silico analysis supports that this variant does not alter splicing; Has not been previously published as pathogenic or benign to our knowledge

NM_001614.5(ACTG1):c.249G>A (p.Glu83=)

Gene: ACTG1 (actin gamma 1; minus strand). Cytogenetic location: 17q25.3.
Variant type: single nucleotide variant.
Coding change: c.249G>A on transcript NM_001614.5 (MANE Select); coding-DNA position 249, G replaced by A.
Protein change: p.Glu83=; no amino-acid change (glutamic acid 83 retained).
Molecular consequence: synonymous variant. On other transcripts: non-coding transcript variant (1).
Genome position (GRCh38, 1-based): chr17:81,512,017, C>T on the plus strand (G>A on the coding strand, the complement: ACTG1 is on the minus strand). VCF-style: chr17-81512017-C-T. GRCh37 (hg19) VCF-style: chr17-79479043-C-T.
Other names: c.249G>A, p.Glu83= (NM_001199954.3).
Identifiers: ClinVar variation 3365063 (VCV003365063.1).
Genomic context (GRCh38, chr17:81,512,017, plus strand): 5'-CACTGGGTGCTCCTCCGGGGCCACGCGCAGCTCGTTGTAGAAGGTGTGGTGCCAGATCTT[C>T]TCCATGTCGTCCCAGTTGGTGACGATGCCATGCTCAATGGGGTACTTCAGGGTCAGGATG-3'
Protein context (NP_001605.1, residues 73-93): HGIVTNWDDM[Glu83=]KIWHHTFYNE